The following is an entry in ClinVar:

NM_203447.4(DOCK8):c.742-15T>G

Gene: DOCK8 (dedicator of cytokinesis 8; plus strand). Cytogenetic location: 9p24.3.
Variant type: single nucleotide variant.
Coding change: c.742-15T>G on transcript NM_203447.4 (MANE Select); 15 bases into the intron before coding-DNA position 742, T replaced by G.
Molecular consequence: intron variant.
Genome position (GRCh38, 1-based): chr9:317,028, T>G. VCF-style: chr9-317028-T-G. GRCh37 (hg19) VCF-style: chr9-317028-T-G.
Other names: c.538-15T>G (NM_001193536.2, NM_001190458.2).
Identifiers: ClinVar variation 570541 (VCV000570541.10), dbSNP rs111627162, ClinGen allele CA4957438.

ClinVar aggregate classification (germline): Conflicting classifications of pathogenicity. Review status: criteria provided, conflicting classifications (1 of 4 stars). 2 submissions from 2 submitters: Likely pathogenic (1); Uncertain significance (1). Last evaluated 2024-05-03.

Conditions:
Combined immunodeficiency due to DOCK8 deficiency (HIES2). Also called: HIES autosomal recessive; DOCK8 Deficiency; HYPER-IgE RECURRENT INFECTION SYNDROME 2, AUTOSOMAL RECESSIVE; Hyper-IgE recurrent infection syndrome, autosomal recessive; HYPER-IgE SYNDROME 2, AUTOSOMAL RECESSIVE, WITH RECURRENT INFECTIONS. Identifiers: Orphanet 217390, MedGen C4722305, MONDO:0009478, OMIM 243700.

Allele frequency attached by ClinVar (database versions not stated): ExAC 0.00001.
gnomAD v4.1: 16 of 1,599,100 alleles (0.001%); highest among the groups gnomAD compares: Non-Finnish European, 0.0014%; no homozygotes.

Submissions (2):

Fulgent Genetics
Classification: Likely pathogenic for Combined immunodeficiency due to DOCK8 deficiency. Last evaluated: 2024-05-03. Review status: criteria provided, single submitter. Criteria: ACMG Guidelines, 2015. Collection method: clinical testing. Allele origin: germline.

Labcorp Genetics (formerly Invitae), Labcorp
Classification: Uncertain significance for Combined immunodeficiency due to DOCK8 deficiency. Last evaluated: 2019-03-26. Review status: criteria provided, single submitter. Criteria: Invitae Variant Classification Sherloc (09022015). Collection method: clinical testing. Allele origin: germline.
Comment: This variant is present in population databases (rs111627162, ExAC 0.002%). In summary, the available evidence is currently insufficient to determine the role of this variant in disease. Therefore, it has been classified as a Variant of Uncertain Significance. An experimental study using the patient's cDNA has shown that this intronic change causes abnormal splicing (PMID: 19776401). This variant has been observed on the opposite chromosome (in trans) from a pathogenic variant in an individual affected with combined immunodeficiency (PMID: 19776401). This finding is consistent with autosomal recessive inheritance, and suggests that this variant contributes to disease. This variant is also known as c.538-15T>G in the literature. This sequence change falls in intron 6 of the DOCK8 gene. It does not directly change the encoded amino acid sequence of the DOCK8 protein.

Literature cited by the submitters: PubMed 19776401 (cited by Labcorp Genetics (formerly Invitae), Labcorp).